The following is an entry in ClinVar:

ClinVar aggregate classification (germline): Uncertain significance. Review status: criteria provided, multiple submitters, no conflicts (2 of 4 stars). 2 submissions from 2 submitters: Uncertain significance (2). Last evaluated 2025-12-17.

Conditions:
DICER1-related tumor predisposition. Also called: DICER1-related pleuropulmonary blastoma cancer predisposition syndrome; DICER1 syndrome. Identifiers: Orphanet 284343, MedGen C3839822, MONDO:0100216.
Hereditary cancer-predisposing syndrome. Also called: Tumor predisposition; Neoplastic Syndromes, Hereditary; Hereditary Cancer Syndrome; Hereditary neoplastic syndrome. Identifiers: Orphanet 140162, MedGen C0027672, MeSH D009386, MONDO:0015356.

Allele frequency attached by ClinVar (database versions not stated): gnomAD 0.00001; TOPMed 0.00001.
gnomAD v4.1: 1 of 1,614,080 alleles (0.000062%); highest among the groups gnomAD compares: Non-Finnish European, 0.000085%; no homozygotes.

Submissions (2):

Labcorp Genetics (formerly Invitae), Labcorp
Classification: Uncertain significance for DICER1-related tumor predisposition. Last evaluated: 2025-12-17. Review status: criteria provided, single submitter. Criteria: Invitae Variant Classification Sherloc (09022015). Collection method: clinical testing. Allele origin: germline.
Comment: This sequence change replaces tyrosine, which is neutral and polar, with cysteine, which is neutral and slightly polar, at codon 1479 of the DICER1 protein (p.Tyr1479Cys). This variant is not present in population databases (gnomAD no frequency). This variant has not been reported in the literature in individuals affected with DICER1-related conditions. ClinVar contains an entry for this variant (Variation ID: 477206). Invitae Evidence Modeling of protein sequence and biophysical properties (such as structural, functional, and spatial information, amino acid conservation, physicochemical variation, residue mobility, and thermodynamic stability) indicates that this missense variant is not expected to disrupt DICER1 protein function with a negative predictive value of 95%. In summary, the available evidence is currently insufficient to determine the role of this variant in disease. Therefore, it has been classified as a Variant of Uncertain Significance.

Ambry Genetics
Classification: Uncertain significance for Hereditary cancer-predisposing syndrome. Last evaluated: 2024-03-06. Review status: criteria provided, single submitter. Criteria: Ambry Variant Classification Scheme 2023. Collection method: clinical testing. Allele origin: germline.
Comment: The p.Y1479C variant (also known as c.4436A>G), located in coding exon 22 of the DICER1 gene, results from an A to G substitution at nucleotide position 4436. The tyrosine at codon 1479 is replaced by cysteine, an amino acid with highly dissimilar properties. This amino acid position is well conserved in available vertebrate species. In addition, the in silico prediction for this alteration is inconclusive. Since supporting evidence is limited at this time, the clinical significance of this alteration remains unclear.

NM_177438.3(DICER1):c.4436A>G (p.Tyr1479Cys)

Gene: DICER1 (dicer 1, ribonuclease III; minus strand). Cytogenetic location: 14q32.13.
Variant type: single nucleotide variant.
Coding change: c.4436A>G on transcript NM_177438.3 (MANE Select); coding-DNA position 4436, A replaced by G.
Protein change: p.Tyr1479Cys; replaces tyrosine 1479 with cysteine.
Molecular consequence: missense variant.
Genome position (GRCh38, 1-based): chr14:95,096,484, T>C on the plus strand (A>G on the coding strand, the complement: DICER1 is on the minus strand). VCF-style: chr14-95096484-T-C. GRCh37 (hg19) VCF-style: chr14-95562821-T-C.
Other names: c.4436A>G, p.Tyr1479Cys (NM_001195573.1, NM_001271282.3, NM_001291628.2 and 1 more transcripts); short protein forms Y1479C.
Identifiers: ClinVar variation 477206 (VCV000477206.10), dbSNP rs1218181729, ClinGen allele CA390868548.